The following is an entry in ClinVar:

ClinVar aggregate classification (germline): Benign (1 of 4 stars; one submission).

Submission:

CeGaT Center for Human Genetics Tuebingen
Classification: Benign. Last evaluated: 2026-09-01. Review status: criteria provided, single submitter. Criteria: CeGaT Center For Human Genetics Tuebingen Variant Classification Criteria Version 2. Collection method: clinical testing. Allele origin: germline. Affected: yes. Observed: 37 variant alleles.
Comment: KCNQ1: BS1, BS2; KCNQ1OT1: BS1, BS2

NM_000218.3(KCNQ1):c.1394-36342del

Genes: KCNQ1 (potassium voltage-gated channel subfamily Q member 1; plus strand), KCNQ1OT1 (KCNQ1 opposite strand/antisense transcript 1; minus strand). Cytogenetic location: 11p15.5.
Variant type: Deletion.
Coding change: c.1394-36342del on transcript NM_000218.3 (MANE Select); 36342 bases into the intron before coding-DNA position 1394, one base deleted (C; older notation c.1394-36342delC).
Molecular consequence: intron variant.
Genome position (GRCh38, 1-based): chr11:2,625,619, C deleted; the last of 3 consecutive C bases (chr11:2,625,617-2,625,619); deleting any one gives the same sequence. VCF-style (leftmost placement, unchanged base first): chr11-2625616-GC-G. GRCh37 (hg19) VCF-style: chr11-2646846-GC-G.
Other names: c.1124-36342del (NM_001406837.1); c.1298-36342del (NM_001406836.1); c.854-36342del (NM_001406838.1); c.1013-36342del (NM_181798.2).
Identifiers: ClinVar variation 1711277 (VCV001711277.30), dbSNP rs573534237, ClinGen allele CA216364343.
Genomic context (GRCh38, chr11:2,625,616, plus strand): 5'-ACGTCTGTCCAAGTCCTTTGCCCTTTTTTTTTTTTTTTTGAGATGGAGTCTCACTCTGTT[GC>G]CCAAGCTGAGTGCAGTGGTGCCATCTCGGCTTACTGCAACCTCTGCCTCCTGGGTTCACA-3'